The following is an entry in ClinVar:

ClinVar aggregate classification (germline): Uncertain significance (1 of 4 stars; one submission).

Conditions:
Catecholaminergic polymorphic ventricular tachycardia (CVPT). Also called: Catecholamine-induced polymorphic ventricular tachycardia. Identifiers: Orphanet 3286, MedGen C5574922, MONDO:0017990.

Submission:

Labcorp Genetics (formerly Invitae), Labcorp
Classification: Uncertain significance for Catecholaminergic polymorphic ventricular tachycardia. Last evaluated: 2018-02-19. Review status: criteria provided, single submitter. Criteria: Invitae Variant Classification Sherloc (09022015). Collection method: clinical testing. Allele origin: germline.
Comment: This sequence change creates a premature translational stop signal (p.Asp2511Glufs*18) in the RYR2 gene. It is expected to result in an absent or disrupted protein product. This variant is not present in population databases (ExAC no frequency). This variant has not been reported in the literature in individuals with RYR2-related disease. The current clinical and genetic evidence is not sufficient to establish whether loss-of-function variants in RYR2 cause disease. In summary, the available evidence is currently insufficient to determine the role of this variant in disease. Therefore, it has been classified as a Variant of Uncertain Significance.

NM_001035.3(RYR2):c.7533del (p.Asp2511fs)

Gene: RYR2 (ryanodine receptor 2; plus strand). Cytogenetic location: 1q43.
Variant type: Deletion.
Coding change: c.7533del on transcript NM_001035.3 (MANE Select); coding-DNA position 7533, one base deleted (C; older notation c.7533delC).
Protein change: p.Asp2511fs; shifts the reading frame from aspartic acid 2511.
Molecular consequence: frameshift variant.
Genome position (GRCh38, 1-based): chr1:237,649,897, C deleted. VCF-style (leftmost placement, unchanged base first): chr1-237649896-AC-A. GRCh37 (hg19) VCF-style: chr1-237813196-AC-A.
Other names: c.7533del, p.Asp2511fs (LRG_402t1); short protein forms D2511fs.
Identifiers: ClinVar variation 532358 (VCV000532358.2), dbSNP rs1553268185, ClinGen allele CA658795636.